The following is an entry in ClinVar:

NM_004370.6(COL12A1):c.6295T>G (p.Tyr2099Asp)

Gene: COL12A1 (collagen type XII alpha 1 chain; minus strand). Cytogenetic location: 6q13.
Variant type: single nucleotide variant.
Coding change: c.6295T>G on transcript NM_004370.6 (MANE Select); coding-DNA position 6295, T replaced by G.
Protein change: p.Tyr2099Asp; replaces tyrosine 2099 with aspartic acid.
Molecular consequence: missense variant.
Genome position (GRCh38, 1-based): chr6:75,128,341, A>C on the plus strand (T>G on the coding strand, the complement: COL12A1 is on the minus strand). VCF-style: chr6-75128341-A-C. GRCh37 (hg19) VCF-style: chr6-75838057-A-C.
Other names: c.2803T>G, p.Tyr935Asp (NM_080645.3); short protein forms Y935D, Y2099D.
Identifiers: ClinVar variation 1029829 (VCV001029829.1), dbSNP rs1366474005, ClinGen allele CA364730369.
Genomic context (GRCh38, chr6:75,128,341, plus strand): 5'-GTACAAAACACTTACCAGTTCTTCCATTTCCTGTTAGATGGCCACCATCTCCATCTTCAT[A>C]AACAGCAATAACAGTAATTTTATATGGAGTGTCAGGTTGCAGGGGCTGCAGTATTACATT-3'
Protein context (NP_004361.3, residues 2089-2109): TPYKITVIAV[Tyr2099Asp]EDGDGGHLTG

ClinVar aggregate classification (germline): Uncertain significance (1 of 4 stars; one submission).

Conditions:
Bethlem myopathy 2 (BTHLM2). Identifiers: Orphanet 536516, Orphanet 610, MedGen C4225313, MONDO:0034022, OMIM 616471.

Allele frequency attached by ClinVar (database versions not stated): TOPMed below 0.00001; gnomAD 0.00001.
gnomAD v4.1: 3 of 1,608,004 alleles (0.00019%); highest among the groups gnomAD compares: East Asian, 0.0067%; no homozygotes.

Submission:

Baylor Genetics
Classification: Uncertain significance for Bethlem myopathy 2. Last evaluated: 2019-05-20. Review status: criteria provided, single submitter. Criteria: ACMG Guidelines, 2015. Collection method: clinical testing. Allele origin: maternal. Affected: yes.
Comment: This variant was determined to be of uncertain significance according to ACMG Guidelines, 2015 [PMID:25741868].